The following is an entry in ClinVar:

ClinVar aggregate classification (germline): Uncertain significance. Review status: criteria provided, multiple submitters, no conflicts (2 of 4 stars). 2 submissions from 2 submitters: Uncertain significance (2). Last evaluated 2026-07-24.

Conditions:
CEP63-related disorder. Also called: CEP63-related condition.

Allele frequency attached by ClinVar (database versions not stated): gnomAD exomes below 0.00001; TOPMed 0.00001; ExAC 0.00002; gnomAD 0.00001.
gnomAD v4.1: 3 of 1,613,862 alleles (0.00019%); highest among the groups gnomAD compares: Admixed American, 0.0033%; no homozygotes.

Submissions (2):

PreventionGenetics, part of Exact Sciences
Classification: Uncertain significance for CEP63-related condition. Last evaluated: 2026-07-24. Review status: criteria provided, single submitter. Criteria: ACMG Guidelines, 2015. Collection method: clinical testing. Allele origin: germline.
Comment: The CEP63 c.2083A>G variant is predicted to result in the amino acid substitution p.Thr695Ala. To our knowledge, this variant has not been reported in the literature. This variant is reported in 0.0062% of alleles in individuals of African descent in gnomAD. At this time, the clinical significance of this variant is uncertain due to the absence of conclusive functional and genetic evidence.

Labcorp Genetics (formerly Invitae), Labcorp
Classification: Uncertain significance. Last evaluated: 2025-01-29. Review status: criteria provided, single submitter. Criteria: Invitae Variant Classification Sherloc (09022015). Collection method: clinical testing. Allele origin: germline.
Comment: This sequence change replaces threonine, which is neutral and polar, with alanine, which is neutral and non-polar, at codon 695 of the CEP63 protein (p.Thr695Ala). This variant is present in population databases (rs752659947, gnomAD 0.007%). This variant has not been reported in the literature in individuals affected with CEP63-related conditions. ClinVar contains an entry for this variant (Variation ID: 1954889). Invitae Evidence Modeling of protein sequence and biophysical properties (such as structural, functional, and spatial information, amino acid conservation, physicochemical variation, residue mobility, and thermodynamic stability) indicates that this missense variant is not expected to disrupt CEP63 protein function with a negative predictive value of 80%. In summary, the available evidence is currently insufficient to determine the role of this variant in disease. Therefore, it has been classified as a Variant of Uncertain Significance.

NM_001353108.3(CEP63):c.2083A>G (p.Thr695Ala)

Gene: CEP63 (centrosomal protein 63; plus strand). Cytogenetic location: 3q22.2.
Variant type: single nucleotide variant.
Coding change: c.2083A>G on transcript NM_001353108.3 (MANE Select); coding-DNA position 2083, A replaced by G.
Protein change: p.Thr695Ala; replaces threonine 695 with alanine.
Molecular consequence: missense variant. On other transcripts: non-coding transcript variant (4), intron variant (5).
Genome position (GRCh38, 1-based): chr3:134,561,506, A>G. VCF-style: chr3-134561506-A-G. GRCh37 (hg19) VCF-style: chr3-134280348-A-G.
Other names: c.2083A>G (NM_025180.3); c.1459A>G, p.Thr487Ala (NM_001042383.2, NM_001353119.2, NM_001353120.2 and 2 more transcripts); c.1597A>G, p.Thr533Ala (NM_001042400.3, NM_001353110.1, NM_001353111.2 and 1 more transcripts); c.1945A>G, p.Thr649Ala (NM_001353109.1); c.1486A>G, p.Thr496Ala (NM_001353118.1); c.1375A>G, p.Thr459Ala (NM_001353125.2); c.1096A>G, p.Thr366Ala (NM_001353126.2); c.2083A>G, p.Thr695Ala (NM_025180.5); and 2 more; short protein forms T496A, T533A, T366A, T487A, T649A, T459A, T695A.
Identifiers: ClinVar variation 1954889 (VCV001954889.6), dbSNP rs752659947, ClinGen allele CA2628866.